The following is an entry in ClinVar:

NM_201384.3(PLEC):c.604C>T (p.Pro202Ser)

Gene: PLEC (plectin; minus strand). Cytogenetic location: 8q24.3.
Variant type: single nucleotide variant.
Coding change: c.604C>T on transcript NM_201384.3 (MANE Select); coding-DNA position 604, C replaced by T.
Protein change: p.Pro202Ser; replaces proline 202 with serine.
Molecular consequence: missense variant.
Genome position (GRCh38, 1-based): chr8:143,935,312, G>A on the plus strand (C>T on the coding strand, the complement: PLEC is on the minus strand). VCF-style: chr8-143935312-G-A. GRCh37 (hg19) VCF-style: chr8-145009480-G-A.
Other names: c.685C>T, p.Pro229Ser (NM_000445.5); c.562C>T, p.Pro188Ser (NM_201378.4); c.538C>T, p.Pro180Ser (NM_201379.3); c.1015C>T, p.Pro339Ser (NM_201380.4); c.508C>T, p.Pro170Ser (NM_201381.3); c.604C>T, p.Pro202Ser (NM_201382.4); c.616C>T, p.Pro206Ser (NM_201383.3); short protein forms P206S, P229S, P202S, P339S, P170S, P180S, P188S.
Identifiers: ClinVar variation 1443705 (VCV001443705.6), dbSNP rs898198225, ClinGen allele CA187623832.

ClinVar aggregate classification (germline): Uncertain significance (1 of 4 stars; one submission).

Conditions:
Epidermolysis bullosa simplex 5B, with muscular dystrophy (EBS5B). Also called: Epidermolysis bullosa simplex with muscular dystrophy; EPIDERMOLYSIS BULLOSA SIMPLEX AND LIMB-GIRDLE MUSCULAR DYSTROPHY. Identifiers: Orphanet 257, MedGen C2931072, MONDO:0009181, OMIM 226670.
Epidermolysis bullosa simplex, Ogna type (EBS5A). Also called: Pidermolysis bullosa simplex 5A, Ogna type; EPIDERMOLYSIS BULLOSA SIMPLEX 5A, OGNA TYPE. Identifiers: Orphanet 79401, MedGen C0432317, MONDO:0007555, OMIM 131950.
Epidermolysis bullosa simplex with nail dystrophy (EBS5D). Identifiers: MedGen C4225309, MONDO:0014661, OMIM 616487.
Epidermolysis bullosa simplex 5C, with pyloric atresia (EBS5C). Also called: Epidermolysis bullosa simplex with pyloric atresia; PLEC-Related Epidermolysis Bullosa with Pyloric Atresia; PLEC1-Related Epidermolysis Bullosa with Pyloric Atresia. Identifiers: Orphanet 158684, MedGen C2677349, MONDO:0012807, OMIM 612138.
Autosomal recessive limb-girdle muscular dystrophy type 2Q (LGMDR17). Also called: MUSCULAR DYSTROPHY, LIMB-GIRDLE, AUTOSOMAL RECESSIVE 17. Identifiers: Orphanet 254361, MedGen C3150989, MONDO:0013390, OMIM 613723.

Allele frequency attached by ClinVar (database versions not stated): gnomAD 0.00001; gnomAD exomes 0.00001.

Submission:

Labcorp Genetics (formerly Invitae), Labcorp
Classification: Uncertain significance for Autosomal recessive limb-girdle muscular dystrophy type 2Q; Epidermolysis bullosa simplex, Ogna type; Epidermolysis bullosa simplex with nail dystrophy; Epidermolysis bullosa simplex 5C, with pyloric atresia; Epidermolysis bullosa simplex 5B, with muscular dystrophy. Last evaluated: 2026-01-12. Review status: criteria provided, single submitter. Criteria: Invitae Variant Classification Sherloc (09022015). Collection method: clinical testing. Allele origin: germline.
Comment: This sequence change replaces proline, which is neutral and non-polar, with serine, which is neutral and polar, at codon 229 of the PLEC protein (p.Pro229Ser). This variant is present in population databases (no rsID available, gnomAD 0.003%). This variant has not been reported in the literature in individuals affected with PLEC-related conditions. ClinVar contains an entry for this variant (Variation ID: 1443705). Experimental studies and prediction algorithms are not available or were not evaluated, and the functional significance of this variant is currently unknown. In summary, the available evidence is currently insufficient to determine the role of this variant in disease. Therefore, it has been classified as a Variant of Uncertain Significance.